The following is an entry in ClinVar:

ClinVar aggregate classification (germline): Uncertain significance. Review status: criteria provided, multiple submitters, no conflicts (2 of 4 stars). 2 submissions from 2 submitters: Uncertain significance (2). Last evaluated 2023-09-25.

Conditions:
Hereditary cancer-predisposing syndrome. Also called: Neoplastic Syndromes, Hereditary; Tumor predisposition; Hereditary neoplastic syndrome; Hereditary Cancer Syndrome. Identifiers: Orphanet 140162, MedGen C0027672, MeSH D009386, MONDO:0015356.
Hereditary nonpolyposis colorectal neoplasms. Identifiers: MedGen C0009405, MeSH D003123.

Allele frequency attached by ClinVar (database versions not stated): gnomAD exomes below 0.00001.
gnomAD v4.1: 1 of 1,614,156 alleles (0.000062%); highest among the groups gnomAD compares: Non-Finnish European, 0.000085%; no homozygotes.

Submissions (2):

Ambry Genetics
Classification: Uncertain significance for Hereditary cancer-predisposing syndrome. Last evaluated: 2023-09-25. Review status: criteria provided, single submitter. Criteria: Ambry Variant Classification Scheme 2023. Collection method: clinical testing. Allele origin: germline.
Comment: The p.S602L variant (also known as c.1805C>T), located in coding exon 4 of the MSH6 gene, results from a C to T substitution at nucleotide position 1805. The serine at codon 602 is replaced by leucine, an amino acid with dissimilar properties. This amino acid position is conserved. In addition, this alteration is predicted to be deleterious by in silico analysis. Since supporting evidence is limited at this time, the clinical significance of this alteration remains unclear.

Labcorp Genetics (formerly Invitae), Labcorp
Classification: Uncertain significance for Hereditary nonpolyposis colorectal neoplasms. Last evaluated: 2022-10-24. Review status: criteria provided, single submitter. Criteria: Invitae Variant Classification Sherloc (09022015). Collection method: clinical testing. Allele origin: germline.
Comment: This sequence change replaces serine, which is neutral and polar, with leucine, which is neutral and non-polar, at codon 602 of the MSH6 protein (p.Ser602Leu). This variant is not present in population databases (gnomAD no frequency). This variant has not been reported in the literature in individuals affected with MSH6-related conditions. Advanced modeling of protein sequence and biophysical properties (such as structural, functional, and spatial information, amino acid conservation, physicochemical variation, residue mobility, and thermodynamic stability) has been performed at Invitae for this missense variant, however the output from this modeling did not meet the statistical confidence thresholds required to predict the impact of this variant on MSH6 protein function. In summary, the available evidence is currently insufficient to determine the role of this variant in disease. Therefore, it has been classified as a Variant of Uncertain Significance.

NM_000179.3(MSH6):c.1805C>T (p.Ser602Leu)

Gene: MSH6 (mutS homolog 6; plus strand). Cytogenetic location: 2p16.3.
Variant type: single nucleotide variant.
Coding change: c.1805C>T on transcript NM_000179.3 (MANE Select); coding-DNA position 1805, C replaced by T.
Protein change: p.Ser602Leu; replaces serine 602 with leucine.
Molecular consequence: missense variant.
Genome position (GRCh38, 1-based): chr2:47,799,788, C>T. VCF-style: chr2-47799788-C-T. GRCh37 (hg19) VCF-style: chr2-48026927-C-T.
Other names: c.1415C>T, p.Ser472Leu (NM_001281492.2); c.899C>T, p.Ser300Leu (NM_001281493.2, NM_001281494.2, NM_001406811.1 and 6 more transcripts); c.1901C>T, p.Ser634Leu (NM_001406795.1, NM_001406802.1); c.1805C>T, p.Ser602Leu (NM_001406796.1, NM_001406798.1, NM_001406800.1 and 3 more transcripts); c.1508C>T, p.Ser503Leu (NM_001406797.1, NM_001406801.1, NM_001406805.1 and 10 more transcripts); c.1280C>T, p.Ser427Leu (NM_001406799.1, NM_001406806.1, NM_001406807.1); c.1727C>T, p.Ser576Leu (NM_001406804.1); c.1811C>T, p.Ser604Leu (NM_001406813.1); and 1 more; short protein forms S546L, S602L, S503L, S576L, S634L, S427L, S472L, S300L.
Identifiers: ClinVar variation 2141807 (VCV002141807.5), dbSNP rs730881816, ClinGen allele CA346749361.
Genomic context (GRCh38, chr2:47,799,788, plus strand): 5'-TTAGGACTCTAGTGGCACACTATCCCCCAGTACAAGTTTTATTTGAAAAAGGAAATCTCT[C>T]AAAGGAAACTAAAACAATTCTAAAGAGTTCATTGTCCTGTTCTCTTCAGGAAGGTCTGAT-3'
Protein context (NP_000170.1, residues 592-612): VQVLFEKGNL[Ser602Leu]KETKTILKSS